The following is an entry in ClinVar:

NM_001033855.3(DCLRE1C):c.532_535del (p.Ser178fs)

Gene: DCLRE1C (DNA cross-link repair 1C; minus strand). Cytogenetic location: 10p13.
Variant type: Deletion.
Coding change: c.532_535del on transcript NM_001033855.3 (MANE Select); coding-DNA positions 532 to 535, 4 bases deleted (AGTC; older notation c.532_535delAGTC).
Protein change: p.Ser178fs; shifts the reading frame from serine 178.
Molecular consequence: frameshift variant. On other transcripts: non-coding transcript variant (4).
Genome position (GRCh38, 1-based): chr10:14,934,705-14,934,708, GACT deleted on the plus strand (AGTC on the coding strand, the reverse complement: DCLRE1C is on the minus strand). VCF-style (leftmost placement, unchanged base first): chr10-14934704-CGACT-C. GRCh37 (hg19) VCF-style: chr10-14976703-CGACT-C.
Other names: c.172_175del, p.Ser58fs (NM_001033857.3, NM_001033858.3, NM_001289077.2 and 2 more transcripts); c.187_190del, p.Ser63fs (NM_001289076.2, NM_001289078.2, NM_001350966.2 and 1 more transcripts); c.532_535del, p.Ser178fs (NM_001350965.2); short protein forms S178fs, S58fs, S63fs.
Identifiers: ClinVar variation 4814555 (VCV004814555.1).

ClinVar aggregate classification (germline): Likely pathogenic (1 of 4 stars; one submission).

Conditions:
Athabaskan severe combined immunodeficiency (SCIDA). Also called: Severe combined immunodeficiency, athabascan-type. Identifiers: MedGen C1865370.

Submission:

Natera, Inc.
Classification: Likely pathogenic for Athabascan severe combined immunodeficiency. Last evaluated: 2025-03-06. Review status: criteria provided, single submitter. Criteria: Natera Variant Classification Schema (03/2026). Collection method: clinical testing. Allele origin: germline.
Comment: The c.532_535delAGTC variant in DCLRE1C is a frameshift variant predicted to shift the reading frame beginning at codon 178 and leads to a stop codon 5 codons downstream. This variant is expected to result in nonsense mediated decay, truncation, or a dysfunctional protein product. This variant is rare in the general population with a frequency below the threshold expected for the associated phenotype(s). Given the available evidence, this variant is classified as Likely Pathogenic.